The following is an entry in ClinVar:

NM_182758.4(WDR72):c.942G>T (p.Val314=)

Gene: WDR72 (WD repeat domain 72; minus strand). Cytogenetic location: 15q21.3.
Variant type: single nucleotide variant.
Coding change: c.942G>T on transcript NM_182758.4 (MANE Select); coding-DNA position 942, G replaced by T.
Protein change: p.Val314=; no amino-acid change (valine 314 retained).
Molecular consequence: synonymous variant. On other transcripts: non-coding transcript variant (1).
Genome position (GRCh38, 1-based): chr15:53,710,869, C>A on the plus strand (G>T on the coding strand, the complement: WDR72 is on the minus strand). VCF-style: chr15-53710869-C-A. GRCh37 (hg19) VCF-style: chr15-54003066-C-A.
Other names: p.Val314=.
Identifiers: ClinVar variation 316600 (VCV000316600.7), dbSNP rs12905755, ClinGen allele CA7571264.

ClinVar aggregate classification (germline): Conflicting classifications of pathogenicity. Review status: criteria provided, conflicting classifications (1 of 4 stars). 2 submissions from 2 submitters: Uncertain significance (1); Benign (1). Last evaluated 2025-03-30.

Allele frequency attached by ClinVar (database versions not stated): 1000 Genomes Project 0.02556; 1000 Genomes Project 30x 0.02780; ExAC 0.03691; gnomAD exomes 0.03719; ESP Exome Variant Server 0.03808; TOPMed 0.03899.
gnomAD v4.1: 73,462 of 1,612,312 alleles (4.6%); highest among the groups gnomAD compares: Non-Finnish European, 5.1%; 1,862 homozygotes.

Submissions (2):

Mayo Clinic Laboratories, Mayo Clinic
Classification: Benign. Last evaluated: 2025-03-30. Review status: criteria provided, single submitter. Criteria: ACMG Guidelines, 2015. Collection method: clinical testing. Allele origin: germline. Observed: 2 variant alleles.
Comment: BS1, BS2, BP4, BP7

Breakthrough Genomics
Classification: Uncertain significance. Review status: criteria provided, single submitter. Criteria: ACMG Guidelines, 2015. Collection method: not provided. Allele origin: germline. Inheritance: Autosomal recessive inheritance. Affected: yes.